The following is an entry in ClinVar:

ClinVar aggregate classification (germline): Uncertain significance. Review status: criteria provided, multiple submitters, no conflicts (2 of 4 stars). 2 submissions from 2 submitters: Uncertain significance (2). Last evaluated 2025-06-24.

Conditions:
Hypercholesterolemia, autosomal dominant, 3 (FHCL3). Also called: PCSK9-Related Familial Hypercholesterolemia, Autosomal Dominant; Familial Hypercholesterolemia, Autosomal Dominant, 3; Familial hypercholesterolemia 3. Identifiers: MedGen C1863551, MONDO:0011369, OMIM 603776.
Familial hypercholesterolemia. Also called: Familial hypercholesterolaemia; Familial hypercholesterolemias. Identifiers: MedGen C0020445, MONDO:0005439.

Allele frequency attached by ClinVar (database versions not stated): gnomAD exomes below 0.00001; ExAC 0.00001; gnomAD 0.00001; TOPMed 0.00001.

Submissions (2):

Color Diagnostics, LLC DBA Color Health
Classification: Uncertain significance for Familial hypercholesterolemia. Last evaluated: 2025-06-24. Review status: criteria provided, single submitter. Criteria: ACMG Guidelines, 2015. Collection method: clinical testing. Allele origin: germline.
Comment: This variant causes an A to C nucleotide substitution at the -2 position of intron 2 of the PCSK9 gene. To our knowledge, functional studies have not been reported for this variant. This variant has not been reported in individuals affected with PCSK9-related disorders in the literature. This variant has been identified in 1/251484 chromosomes in the general population by the Genome Aggregation Database (gnomAD). The available evidence is insufficient to determine the role of this variant in disease conclusively. Therefore, this variant is classified as a Variant of Uncertain Significance.

All of Us Research Program, National Institutes of Health
Classification: Uncertain significance for Hypercholesterolemia, autosomal dominant, 3. Last evaluated: 2023-11-20. Review status: criteria provided, single submitter. Criteria: ACMG Guidelines, 2015. Collection method: clinical testing. Allele origin: germline. Inheritance: Autosomal dominant inheritance. Observed: 2 variant alleles, 2 heterozygotes.
Comment: This variant causes an A to C nucleotide substitution at the -2 position of intron 2 of the PCSK9 gene. To our knowledge, functional studies have not been reported for this variant. This variant has not been reported in individuals affected with PCSK9-related disorders in the literature. This variant has been identified in 1/251484 chromosomes in the general population by the Genome Aggregation Database (gnomAD). The available evidence is insufficient to determine the role of this variant in disease conclusively. Therefore, this variant is classified as a Variant of Uncertain Significance.

This study involves interpretation of variants in research participants for the purpose of population health screening. Participant phenotype was not available at the time of variant classification. Additional details can be found in publication PMID: 35346344, PMCID: PMC8962531

NM_174936.4(PCSK9):c.400-2A>C

Gene: PCSK9 (proprotein convertase subtilisin/kexin type 9; plus strand). Cytogenetic location: 1p32.3.
Variant type: single nucleotide variant.
Coding change: c.400-2A>C on transcript NM_174936.4 (MANE Select); the canonical splice acceptor site of the intron before coding-DNA position 400, A replaced by C.
Molecular consequence: splice acceptor variant. On other transcripts: intron variant (1).
Genome position (GRCh38, 1-based): chr1:55,046,521, A>C. VCF-style: chr1-55046521-A-C. GRCh37 (hg19) VCF-style: chr1-55512194-A-C.
Other names: c.25-2A>C (NM_001407246.1); c.523-2A>C (NM_001407240.1); c.400-2A>C (NM_001407242.1, NM_001407241.1, NM_001407244.1 and 1 more transcripts); c.400-59A>C (NM_001407243.1); c.208-2A>C (NM_001407245.1).
Identifiers: ClinVar variation 3070373 (VCV003070373.2), dbSNP rs757535781, ClinGen allele CA041966.